The following is an entry in ClinVar:

NM_006445.4(PRPF8):c.1897G>A (p.Gly633Ser)

Gene: PRPF8 (pre-mRNA processing factor 8; minus strand). Cytogenetic location: 17p13.3.
Variant type: single nucleotide variant.
Coding change: c.1897G>A on transcript NM_006445.4 (MANE Select); coding-DNA position 1897, G replaced by A.
Protein change: p.Gly633Ser; replaces glycine 633 with serine.
Molecular consequence: missense variant.
Genome position (GRCh38, 1-based): chr17:1,677,652, C>T on the plus strand (G>A on the coding strand, the complement: PRPF8 is on the minus strand). VCF-style: chr17-1677652-C-T. GRCh37 (hg19) VCF-style: chr17-1580946-C-T.
Other names: short protein forms G633S.
Identifiers: ClinVar variation 1977127 (VCV001977127.5), dbSNP rs753143915, ClinGen allele CA8272223.

ClinVar aggregate classification (germline): Uncertain significance (1 of 4 stars; one submission).

Allele frequency attached by ClinVar (database versions not stated): ExAC 0.00001; gnomAD 0.00001.

Submission:

Labcorp Genetics (formerly Invitae), Labcorp
Classification: Uncertain significance. Last evaluated: 2022-08-05. Review status: criteria provided, single submitter. Criteria: Invitae Variant Classification Sherloc (09022015). Collection method: clinical testing. Allele origin: germline.
Comment: This sequence change replaces glycine, which is neutral and non-polar, with serine, which is neutral and polar, at codon 633 of the PRPF8 protein (p.Gly633Ser). This variant is present in population databases (rs753143915, gnomAD 0.0009%). This variant has not been reported in the literature in individuals affected with PRPF8-related conditions. Algorithms developed to predict the effect of missense changes on protein structure and function (SIFT, PolyPhen-2, Align-GVGD) all suggest that this variant is likely to be tolerated. Algorithms developed to predict the effect of sequence changes on RNA splicing suggest that this variant may create or strengthen a splice site. In summary, the available evidence is currently insufficient to determine the role of this variant in disease. Therefore, it has been classified as a Variant of Uncertain Significance.